The following is an entry in ClinVar:

ClinVar aggregate classification (germline): Uncertain significance. Review status: criteria provided, multiple submitters, no conflicts (2 of 4 stars). 2 submissions from 2 submitters: Uncertain significance (2). Last evaluated 2025-09-10.

Conditions:
Inborn genetic diseases. Identifiers: MedGen C0950123, MeSH D030342.

Allele frequency attached by ClinVar (database versions not stated): gnomAD exomes below 0.00001; gnomAD 0.00001; TOPMed 0.00001.
gnomAD v4.1: 8 of 1,613,850 alleles (0.0005%); highest among the groups gnomAD compares: Middle Eastern, 0.033%; no homozygotes.

Submissions (2):

Labcorp Genetics (formerly Invitae), Labcorp
Classification: Uncertain significance. Last evaluated: 2025-09-10. Review status: criteria provided, single submitter. Criteria: Invitae Variant Classification Sherloc (09022015). Collection method: clinical testing. Allele origin: germline.
Comment: This sequence change replaces lysine, which is basic and polar, with glutamic acid, which is acidic and polar, at codon 642 of the GUCY2C protein (p.Lys642Glu). This variant is present in population databases (no rsID available, gnomAD 0.002%). This variant has not been reported in the literature in individuals affected with GUCY2C-related conditions. ClinVar contains an entry for this variant (Variation ID: 2899782). Invitae Evidence Modeling of protein sequence and biophysical properties (such as structural, functional, and spatial information, amino acid conservation, physicochemical variation, residue mobility, and thermodynamic stability) indicates that this missense variant is not expected to disrupt GUCY2C protein function with a negative predictive value of 80%. In summary, the available evidence is currently insufficient to determine the role of this variant in disease. Therefore, it has been classified as a Variant of Uncertain Significance.

Ambry Genetics
Classification: Uncertain significance for Inborn genetic diseases. Last evaluated: 2025-02-09. Review status: criteria provided, single submitter. Criteria: Ambry Variant Classification Scheme 2023. Collection method: clinical testing. Allele origin: germline.

NM_004963.4(GUCY2C):c.1924A>G (p.Lys642Glu)

Gene: GUCY2C (guanylate cyclase 2C; minus strand). Cytogenetic location: 12p12.3.
Variant type: single nucleotide variant.
Coding change: c.1924A>G on transcript NM_004963.4 (MANE Select); coding-DNA position 1924, A replaced by G.
Protein change: p.Lys642Glu; replaces lysine 642 with glutamic acid.
Molecular consequence: missense variant.
Genome position (GRCh38, 1-based): chr12:14,643,580, T>C on the plus strand (A>G on the coding strand, the complement: GUCY2C is on the minus strand). VCF-style: chr12-14643580-T-C. GRCh37 (hg19) VCF-style: chr12-14796514-T-C.
Other names: c.1924A>G (NM_004963.3); short protein forms K642E.
Identifiers: ClinVar variation 2899782 (VCV002899782.4), dbSNP rs1472220299, ClinGen allele CA383985291.
Genomic context (GRCh38, chr12:14,643,580, plus strand): 5'-GGTTTGAAAAAAAAATCAGTTAGGAAACTAGTGAACATTTCATTCATTACAGACCCTTTT[T>C]TGGAGGTAAAATGGAATTGCAGCCAAAATCAGTGATCTTCACCACCATTCTACTGTCCAC-3'
Protein context (NP_004954.2, residues 632-652): DFGCNSILPP[Lys642Glu]KDLWTAPEHL